The following is an entry in ClinVar:

ClinVar aggregate classification (germline): Uncertain significance. Review status: criteria provided, multiple submitters, no conflicts (2 of 4 stars). 2 submissions from 2 submitters: Uncertain significance (2). Last evaluated 2026-05-13.

Conditions:
PLXNA3-related disorder. Also called: PLXNA3-related condition.
Hypogonadotropic hypogonadism. Also called: Low gonadotropins (secondary hypogonadism); Hypogonadotrophic hypogonadism; Isolated hypogonadotropic hypogonadism; Hypogonadotropic hypogonadism with or without anosmia. Identifiers: Orphanet 432, MedGen C0271623, MONDO:0018555, HP:0000044.

Allele frequency attached by ClinVar (database versions not stated): ExAC 0.00002; gnomAD exomes 0.00002 and 0.00003; TOPMed 0.00002.
gnomAD v4.1: 39 of 1,209,924 alleles (0.0032%); highest among the groups gnomAD compares: Non-Finnish European, 0.0038%; no homozygotes.

Submissions (2):

PreventionGenetics, part of Exact Sciences
Classification: Uncertain significance for PLXNA3-related condition. Last evaluated: 2026-05-13. Review status: criteria provided, single submitter. Criteria: ACMG Guidelines, 2015. Collection method: clinical testing. Allele origin: germline.
Comment: The PLXNA3 c.322C>T variant is predicted to result in the amino acid substitution p.Arg108Cys. This variant was reported two cohorts of patients with neurodevelopmental delays and idiopathic hypogonadotropic hypogonadism (Stessman et al. 2017. PubMed ID: 28191889; Kotan et al. 2021. PubMed ID: 33495532). This variant is reported in 0.0053% of alleles in individuals of South Asian descent in gnomAD. At this time, the clinical significance of this variant is uncertain due to the absence of conclusive functional and genetic evidence.

Department of Pediatric Endocrinology, Cukurova University Medical Faculty
Classification: Uncertain significance for Hypogonadotropic hypogonadism with or without anosmia. Review status: criteria provided, single submitter. Criteria: ACMG Guidelines, 2015. Collection method: research. Allele origin: maternal. Inheritance: Oligogenic inheritance. Affected: yes. Observed: 3 variant alleles, 3 hemizygotes.

NM_017514.5(PLXNA3):c.322C>T (p.Arg108Cys)

Gene: PLXNA3 (plexin A3; plus strand). Cytogenetic location: Xq28.
Variant type: single nucleotide variant.
Coding change: c.322C>T on transcript NM_017514.5 (MANE Select); coding-DNA position 322, C replaced by T.
Protein change: p.Arg108Cys; replaces arginine 108 with cysteine.
Molecular consequence: missense variant.
Genome position (GRCh38, 1-based): chrX:154,460,505, C>T. VCF-style: chrX-154460505-C-T. GRCh37 (hg19) VCF-style: chrX-153688845-C-T.
Other names: c.322C>T (NM_017514.4); short protein forms R108C.
Identifiers: ClinVar variation 982252 (VCV000982252.3), dbSNP rs782774035, ClinGen allele CA10563664.